The following is an entry in ClinVar:

NM_001162501.2(TNRC6B):c.995C>T (p.Ser332Phe)

Gene: TNRC6B (trinucleotide repeat containing adaptor 6B; plus strand). Cytogenetic location: 22q13.1.
Variant type: single nucleotide variant.
Coding change: c.995C>T on transcript NM_001162501.2 (MANE Select); coding-DNA position 995, C replaced by T.
Protein change: p.Ser332Phe; replaces serine 332 with phenylalanine.
Molecular consequence: missense variant. On other transcripts: intron variant (1).
Genome position (GRCh38, 1-based): chr22:40,265,225, C>T. VCF-style: chr22-40265225-C-T. GRCh37 (hg19) VCF-style: chr22-40661229-C-T.
Other names: c.995C>T, p.Ser332Phe (NM_015088.3); c.565+3052C>T (NM_001024843.2); short protein forms S332F.
Identifiers: ClinVar variation 4883779 (VCV004883779.2).
Genomic context (GRCh38, chr22:40,265,225, plus strand): 5'-CAGCACTGGTCCAAGAAGGAACTTCTAGGAAAGGGGCATTGGAAACAGATAATAGTAATT[C>T]CAGTGCACAGGTTAGCACAGTAGGTCAGACATCCAGGGAACAGCAGTCAAAGATGGAAAA-3'
Protein context (NP_001155973.1, residues 322-342): KGALETDNSN[Ser332Phe]SAQVSTVGQT

ClinVar aggregate classification (germline): Uncertain significance (1 of 4 stars; one submission).

Submission:

Dasa
Classification: Uncertain significance. Last evaluated: 2026-02-20. Review status: criteria provided, single submitter. Criteria: DASA Assertion Criteria. Collection method: clinical testing. Allele origin: germline.
Comment: NM_001162501.2(TNRC6B):c.995C>T (p.Ser332Phe) is a missense variant that results in the substitution of serine with phenylalanine. This variant is rare in population databases. Computational prediction algorithms are consistent with a benign effect. The currently available literature and clinical evidence are not sufficient to establish a definitive association between this variant and the reported condition. Therefore, this variant is classified as a variant of uncertain significance.